The following is an entry in ClinVar:

NM_015311.3(OBSL1):c.1277_1282+5del

Gene: OBSL1 (obscurin like cytoskeletal adaptor 1; minus strand). Cytogenetic location: 2q35.
Variant type: Deletion.
Coding change: c.1277_1282+5del on transcript NM_015311.3 (MANE Select); coding-DNA position 1277 through 5 bases into the intron after coding-DNA position 1282, 11 bases deleted (TCAAAGGTCAG).
Molecular consequence: splice donor variant.
Genome position (GRCh38, 1-based): chr2:219,568,050-219,568,060, CTGACCTTTGA deleted on the plus strand (TCAAAGGTCAG on the coding strand, the reverse complement: OBSL1 is on the minus strand); deleting any 11 consecutive bases within chr2:219,568,050-219,568,063 gives the same sequence; the c. name uses the placement nearest the transcript's 3' end. VCF-style (leftmost placement, unchanged base first): chr2-219568049-GCTGACCTTTGA-G. GRCh37 (hg19) VCF-style: chr2-220432771-GCTGACCTTTGA-G.
Other names: c.1277_1282+5del (NM_001173431.2, NM_001173408.2).
Identifiers: ClinVar variation 599221 (VCV000599221.3), dbSNP rs760929207, ClinGen allele CA2131584.

ClinVar aggregate classification (germline): Likely pathogenic (0 of 4 stars; one submission).

Conditions:
3M syndrome 1. Also called: 3-M Syndrome, CUL7-Related. Identifiers: Orphanet 2616, MedGen C2678312, MONDO:0010117, OMIM 273750.

Submission:

Hacettepe Genetic Diseases Diagnosis Center, Hacettepe University Faculty of Medicine
Classification: Likely pathogenic for 3M syndrome 1. Last evaluated: 2015-01-04. Review status: no assertion criteria provided. Collection method: clinical testing. Allele origin: germline. Inheritance: Autosomal recessive inheritance. Affected: yes. Observed: 1 homozygote.
Comment: The g.8487_8497delTCAAAGGTCAG variant presents in ExAC (Exome Aggregation Consortium) database as c.1277_1282+5delTCAAAGGTCAG with 1 heterozygous carrier. This variant meets our criteria to be classified as likely pathogenic.

Literature cited by the submitters: PubMed 30980518.